The following is an entry in ClinVar:

ClinVar aggregate classification (germline): Benign/Likely benign. Review status: criteria provided, multiple submitters, no conflicts (2 of 4 stars). 5 submissions from 5 submitters: Benign (4); Likely benign (1). Last evaluated 2026-05-15.

Conditions:
ACAN-related disorder. Also called: ACAN-related condition; ACAN-related disorders.

Allele frequency attached by ClinVar (database versions not stated): 1000 Genomes Project 0.00200; TOPMed 0.00217; 1000 Genomes Project 30x 0.00234; ESP Exome Variant Server 0.00341; gnomAD exomes 0.00441 and 0.00482; gnomAD 0.00448 and 0.00457; ExAC 0.00483.
gnomAD v4.1: 7,115 of 1,613,648 alleles (0.44%); highest among the groups gnomAD compares: Non-Finnish European, 0.4%; 39 homozygotes.

Submissions (5):

Women's Health and Genetics/Laboratory Corporation of America, LabCorp
Classification: Benign. Last evaluated: 2026-05-15. Review status: criteria provided, single submitter. Criteria: LabCorp Variant Classification Summary - May 2015. Collection method: clinical testing. Allele origin: germline.

Labcorp Genetics (formerly Invitae), Labcorp
Classification: Benign. Last evaluated: 2026-02-04. Review status: criteria provided, single submitter. Criteria: Invitae Variant Classification Sherloc (09022015). Collection method: clinical testing. Allele origin: germline.

PreventionGenetics, part of Exact Sciences
Classification: Benign for ACAN-related condition. Last evaluated: 2025-08-04. Review status: criteria provided, single submitter. Criteria: ACMG Guidelines, 2015. Collection method: clinical testing. Allele origin: germline.
Comment: This variant is classified as benign based on ACMG/AMP sequence variant interpretation guidelines (Richards et al. 2015 PMID: 25741868, with internal and published modifications).

CeGaT Center for Human Genetics Tuebingen
Classification: Likely benign. Last evaluated: 2023-11-01. Review status: criteria provided, single submitter. Criteria: CeGaT Center For Human Genetics Tuebingen Variant Classification Criteria Version 2. Collection method: clinical testing. Allele origin: germline. Affected: yes. Observed: 1 variant allele.
Comment: ACAN: BP4, BP7, BS2

Breakthrough Genomics
Classification: Benign. Review status: criteria provided, single submitter. Criteria: ACMG Guidelines, 2015. Collection method: not provided. Allele origin: germline. Inheritance: Autosomal recessive inheritance. Affected: yes.

NM_001369268.1(ACAN):c.7455C>T (p.Cys2485=)

Gene: ACAN (aggrecan; plus strand). Cytogenetic location: 15q26.1.
Variant type: single nucleotide variant.
Coding change: c.7455C>T on transcript NM_001369268.1 (MANE Select); coding-DNA position 7455, C replaced by T.
Protein change: p.Cys2485=; no amino-acid change (cysteine 2485 retained).
Molecular consequence: synonymous variant. On other transcripts: intron variant (1).
Genome position (GRCh38, 1-based): chr15:88,873,849, C>T. VCF-style: chr15-88873849-C-T. GRCh37 (hg19) VCF-style: chr15-89417080-C-T.
Other names: c.7341C>T, p.Cys2447= (NM_013227.4); c.7220-556C>T (NM_001135.4).
Identifiers: ClinVar variation 774717 (VCV000774717.35), dbSNP rs117879889, ClinGen allele CA7720697.